The following is an entry in ClinVar:

ClinVar aggregate classification (germline): Pathogenic. Review status: criteria provided, multiple submitters, no conflicts (2 of 4 stars). 3 submissions from 3 submitters: Pathogenic (3). Last evaluated 2019-10-11.

Conditions:
PAFAH1B1-related disorder. Also called: PAFAH1B1-related condition.
Lissencephaly due to LIS1 mutation (LIS1). Also called: PAFAH1B1-Related Lissencephaly/Subcortical Band Heterotopia; Isolated Lissencephaly Sequence; PAFAH1B1-Associated Lissencephaly/Subcortical Band Heterotopia. Identifiers: Orphanet 95232, MedGen C4749301, MONDO:0011830, OMIM 607432.

Allele frequency attached by ClinVar (database versions not stated): gnomAD exomes below 0.00001.

Submissions (3):

Blueprint Genetics
Classification: Pathogenic for PAFAH1B1-related disorders. Last evaluated: 2019-10-11. Review status: criteria provided, single submitter. Criteria: ACMG Guidelines, 2015. Collection method: clinical testing. Allele origin: germline. Affected: yes. Observed: 1 variant allele.

Genetic Services Laboratory, University of Chicago
Classification: Pathogenic for Lissencephaly 1. Last evaluated: 2013-02-08. Review status: criteria provided, single submitter. Criteria: ACMG Guidelines, 2007. Collection method: clinical testing. Allele origin: germline. Inheritance: Autosomal dominant inheritance. Affected: yes.

Broad Center for Mendelian Genomics, Broad Institute of MIT and Harvard
Classification: Pathogenic for Lissencephaly due to LIS1 mutation. Review status: criteria provided, single submitter. Criteria: ACMG Guidelines, 2015. Collection method: research. Allele origin: germline. Inheritance: Autosomal dominant inheritance. Affected: yes. Observed: 1 variant allele, 1 heterozygote. Study: Broad Institute Center for Mendelian Genomics (CMG).
Comment: Trio analysis showed this variant to be de novo. The c.1002+1G>A variant is a well-established known pathogenic variant and loss of function is a known mechanism of disease in the PAFAH1B1 (LIS1) gene.

NM_000430.4(PAFAH1B1):c.1002+1G>A

Gene: PAFAH1B1 (platelet activating factor acetylhydrolase 1b regulatory subunit 1; plus strand). Cytogenetic location: 17p13.3.
Variant type: single nucleotide variant.
Coding change: c.1002+1G>A on transcript NM_000430.4 (MANE Select); the canonical splice donor site of the intron after coding-DNA position 1002, G replaced by A.
Molecular consequence: splice donor variant.
Genome position (GRCh38, 1-based): chr17:2,676,607, G>A. VCF-style: chr17-2676607-G-A. GRCh37 (hg19) VCF-style: chr17-2579901-G-A.
Identifiers: ClinVar variation 21175 (VCV000021175.9), dbSNP rs113994203, ClinGen allele CA341703.